The following is an entry in ClinVar:

NM_015311.3(OBSL1):c.2506G>A (p.Ala836Thr)

Gene: OBSL1 (obscurin like cytoskeletal adaptor 1; minus strand). Cytogenetic location: 2q35.
Variant type: single nucleotide variant.
Coding change: c.2506G>A on transcript NM_015311.3 (MANE Select); coding-DNA position 2506, G replaced by A.
Protein change: p.Ala836Thr; replaces alanine 836 with threonine.
Molecular consequence: missense variant.
Genome position (GRCh38, 1-based): chr2:219,563,529, C>T on the plus strand (G>A on the coding strand, the complement: OBSL1 is on the minus strand). VCF-style: chr2-219563529-C-T. GRCh37 (hg19) VCF-style: chr2-220428251-C-T.
Other names: c.2506G>A (NM_015311.2); c.2506G>A, p.Ala836Thr (NM_001173408.2, NM_001173431.2); short protein forms A836T.
Identifiers: ClinVar variation 1053014 (VCV001053014.11), dbSNP rs374921331, ClinGen allele CA2131197.
Genomic context (GRCh38, chr2:219,563,529, plus strand): 5'-CCAGCACCACGAAGTCACTCTCCTCCACCTCCTGCCCGTCCTTGTACCAACGCACAGGGG[C>T]GTCCTCTCGGTCCACCTCACAGGCCAGCATGACACACTCGGAAGTTATGGCATGCACGAA-3'
Protein context (NP_056126.1, residues 826-846): MLACEVDRED[Ala836Thr]PVRWYKDGQE

ClinVar aggregate classification (germline): Uncertain significance. Review status: criteria provided, multiple submitters, no conflicts (2 of 4 stars). 2 submissions from 2 submitters: Uncertain significance (2). Last evaluated 2025-12-22.

Conditions:
Inborn genetic diseases. Identifiers: MedGen C0950123, MeSH D030342.

Allele frequency attached by ClinVar (database versions not stated): ExAC 0.00002; gnomAD exomes 0.00002 and 0.00004; ESP Exome Variant Server 0.00008; gnomAD 0.00011 and 0.00013; TOPMed 0.00014.
gnomAD v4.1: 47 of 1,613,852 alleles (0.0029%); highest among the groups gnomAD compares: African/African-American, 0.048%; no homozygotes.

Submissions (2):

Labcorp Genetics (formerly Invitae), Labcorp
Classification: Uncertain significance. Last evaluated: 2025-12-22. Review status: criteria provided, single submitter. Criteria: Invitae Variant Classification Sherloc (09022015). Collection method: clinical testing. Allele origin: germline.
Comment: This sequence change replaces alanine, which is neutral and non-polar, with threonine, which is neutral and polar, at codon 836 of the OBSL1 protein (p.Ala836Thr). This variant is present in population databases (rs374921331, gnomAD 0.05%). This variant has not been reported in the literature in individuals affected with OBSL1-related conditions. ClinVar contains an entry for this variant (Variation ID: 1053014). An algorithm developed to predict the effect of missense changes on protein structure and function outputs the following: PolyPhen-2: "Benign". The threonine amino acid residue is found in multiple mammalian species, which suggests that this missense change does not adversely affect protein function. In summary, the available evidence is currently insufficient to determine the role of this variant in disease. Therefore, it has been classified as a Variant of Uncertain Significance.

Ambry Genetics
Classification: Uncertain significance for Inborn genetic diseases. Last evaluated: 2024-02-14. Review status: criteria provided, single submitter. Criteria: Ambry Variant Classification Scheme 2023. Collection method: clinical testing. Allele origin: germline.